The following is an entry in ClinVar:

ClinVar aggregate classification (germline): Uncertain significance. Review status: criteria provided, multiple submitters, no conflicts (2 of 4 stars). 3 submissions from 3 submitters: Uncertain significance (3). Last evaluated 2025-10-30.

Conditions:
Cardiovascular phenotype. Identifiers: MedGen CN230736.

Submissions (3):

GeneDx
Classification: Uncertain significance. Last evaluated: 2025-10-30. Review status: criteria provided, single submitter. Criteria: GeneDx Variant Classification Process June 2021. Collection method: clinical testing. Allele origin: germline. Affected: yes.
Comment: Not observed at significant frequency in large population cohorts (gnomAD); In silico analysis supports a deleterious effect on protein structure/function; In-frame deletion of 9 of amino acids in a repetitive region with no known function; Has not been previously published as pathogenic or benign to our knowledge

Ambry Genetics
Classification: Uncertain significance for Cardiovascular phenotype. Last evaluated: 2024-10-11. Review status: criteria provided, single submitter. Criteria: Ambry Variant Classification Scheme 2023. Collection method: clinical testing. Allele origin: germline.
Comment: The c.51_77del27 variant (also known as p.E21_E29del) is located in coding exon 1 of the ALMS1 gene. This variant results from an in-frame GGAGGAGGAGGAGGAGGAGGAGGAAGA deletion at nucleotide positions 51 to 77. This results in the in-frame deletion of a at codon 21. This amino acid position ranges from well conserved to poorly conserved in available vertebrate species. This in-frame variant is in a repetitive region of the gene and has no known function or association with disease. Based on the available evidence, the clinical significance of this variant remains unclear.

Blueprint Genetics
Classification: Uncertain significance. Last evaluated: 2022-09-30. Review status: criteria provided, single submitter. Criteria: ACMG Guidelines, 2015. Collection method: clinical testing. Allele origin: germline.

NM_001378454.1(ALMS1):c.36GGA[5] (p.Glu21_Glu28del)

Gene: ALMS1 (ALMS1 centrosome and basal body associated protein; plus strand). Cytogenetic location: 2p13.1.
Variant type: Microsatellite.
Coding change: c.36GGA[5] on transcript NM_001378454.1 (MANE Select); five copies in a row of the 3-base unit GGA starting at c.36; the reference has 13 copies in a row; eight copies, 24 bases deleted.
Protein change: p.Glu21_Glu28del.
Molecular consequence: inframe deletion.
Genome position (GRCh38, 1-based): chr2:73,385,919-73,385,942, GGAGGAGGAGGAGGAGGAGGAGGA deleted; deleting any 24 consecutive bases within chr2:73,385,904-73,385,942 gives the same sequence; the position shown is the placement nearest the transcript's 3' end. VCF-style (leftmost placement, unchanged base first): chr2-73385903-TGGAGGAGGAGGAGGAGGAGGAGGA-T. GRCh37 (hg19) VCF-style: chr2-73613031-TGGAGGAGGAGGAGGAGGAGGAGGA-T.
Other names: c.36GGA[6], p.Glu22_Glu29del (NM_015120.4); c.51_77delGGAGGAGGAGGAGGAGGAGGAGGAGGA (NM_015120.4); c.51_77del (NM_015120.4); c.51_77del27 (NM_015120.4).
Identifiers: ClinVar variation 1199565 (VCV001199565.12), dbSNP rs55889738, ClinGen allele CA658822793.